The following is an entry in ClinVar:

NM_004360.5(CDH1):c.2244C>A (p.Thr748=)

Gene: CDH1 (cadherin 1; plus strand). Cytogenetic location: 16q22.1.
Variant type: single nucleotide variant.
Coding change: c.2244C>A on transcript NM_004360.5 (MANE Select); coding-DNA position 2244, C replaced by A.
Protein change: p.Thr748=; no amino-acid change (threonine 748 retained).
Molecular consequence: synonymous variant.
Genome position (GRCh38, 1-based): chr16:68,828,253, C>A. VCF-style: chr16-68828253-C-A. GRCh37 (hg19) VCF-style: chr16-68862156-C-A.
Other names: c.2061C>A, p.Thr687= (NM_001317184.2); c.696C>A, p.Thr232= (NM_001317185.2); c.279C>A, p.Thr93= (NM_001317186.2).
Identifiers: ClinVar variation 820953 (VCV000820953.14), dbSNP rs1303187205, ClinGen allele CA496157167.

ClinVar aggregate classification (germline): Benign/Likely benign. Review status: criteria provided, multiple submitters, no conflicts (2 of 4 stars). 3 submissions from 3 submitters: Benign (1); Likely benign (2). Last evaluated 2024-09-23.

Conditions:
Hereditary cancer-predisposing syndrome. Also called: Hereditary Cancer Syndrome; Neoplastic Syndromes, Hereditary; Hereditary neoplastic syndrome; Tumor predisposition. Identifiers: Orphanet 140162, MedGen C0027672, MeSH D009386, MONDO:0015356.
Hereditary diffuse gastric adenocarcinoma (HDGC). Also called: DIFFUSE GASTRIC AND LOBULAR BREAST CANCER SYNDROME. Identifiers: Orphanet 26106, MedGen C1708349, MONDO:0007648, OMIM 137215.

Allele frequency attached by ClinVar (database versions not stated): gnomAD exomes 0.00001; TOPMed 0.00002; gnomAD 0.00006.
gnomAD v4.1: 12 of 1,613,904 alleles (0.00074%); highest among the groups gnomAD compares: Admixed American, 0.02%; no homozygotes.

Submissions (3):

Myriad Genetics, Inc.
Classification: Benign for Hereditary diffuse gastric adenocarcinoma. Last evaluated: 2024-09-23. Review status: criteria provided, single submitter. Criteria: Myriad Autosomal Dominant, Autosomal Recessive and X-Linked Classification Criteria (2023). Collection method: clinical testing. Allele origin: unknown.
Comment: This variant is considered benign. This variant is a silent/synonymous amino acid change and it is not expected to impact splicing.

Labcorp Genetics (formerly Invitae), Labcorp
Classification: Likely benign for Hereditary diffuse gastric adenocarcinoma. Last evaluated: 2024-06-21. Review status: criteria provided, single submitter. Criteria: Invitae Variant Classification Sherloc (09022015). Collection method: clinical testing. Allele origin: germline.

Ambry Genetics
Classification: Likely benign for Hereditary cancer-predisposing syndrome. Last evaluated: 2018-12-13. Review status: criteria provided, single submitter. Criteria: Ambry Variant Classification Scheme 2023. Collection method: clinical testing. Allele origin: germline.